The following is an entry in ClinVar:

NM_000051.4(ATM):c.6731G>C (p.Arg2244Thr)

Genes: ATM (ATM serine/threonine kinase; plus strand), C11orf65 (chromosome 11 open reading frame 65; minus strand). Cytogenetic location: 11q22.3.
Variant type: single nucleotide variant.
Coding change: c.6731G>C on transcript NM_000051.4 (MANE Select); coding-DNA position 6731, G replaced by C.
Protein change: p.Arg2244Thr; replaces arginine 2244 with threonine.
Molecular consequence: missense variant. On other transcripts: intron variant (2).
Genome position (GRCh38, 1-based): chr11:108,325,468, G>C. VCF-style: chr11-108325468-G-C. GRCh37 (hg19) VCF-style: chr11-108196195-G-C.
Other names: c.6731G>C, p.Arg2244Thr (NM_001351834.2); c.641-16397C>G (NM_001330368.2); c.*38+9752C>G (NM_001351110.2); short protein forms R2244T.
Identifiers: ClinVar variation 1755142 (VCV001755142.7), dbSNP rs2136315016, ClinGen allele CA382555135.

ClinVar aggregate classification (germline): Uncertain significance. Review status: criteria provided, multiple submitters, no conflicts (2 of 4 stars). 2 submissions from 2 submitters: Uncertain significance (2). Last evaluated 2022-06-12.

Conditions:
Hereditary cancer-predisposing syndrome. Also called: Hereditary neoplastic syndrome; Neoplastic Syndromes, Hereditary; Tumor predisposition; Hereditary Cancer Syndrome. Identifiers: Orphanet 140162, MedGen C0027672, MeSH D009386, MONDO:0015356.
Ataxia-telangiectasia syndrome (AT). Also called: Ataxia telangiectasia (A-T); LOUIS-BAR SYNDROME; Cerebello-oculocutaneous telangiectasia; Immunodeficiency with ataxia telangiectasia; Ataxia-telangiectasia, complementation group D; AT, COMPLEMENTATION GROUP C. Identifiers: Orphanet 100, MedGen C0004135, MONDO:0008840, OMIM 208900.

Submissions (2):

Labcorp Genetics (formerly Invitae), Labcorp
Classification: Uncertain significance for Ataxia-telangiectasia syndrome. Last evaluated: 2022-06-12. Review status: criteria provided, single submitter. Criteria: Invitae Variant Classification Sherloc (09022015). Collection method: clinical testing. Allele origin: germline.
Comment: Advanced modeling of protein sequence and biophysical properties (such as structural, functional, and spatial information, amino acid conservation, physicochemical variation, residue mobility, and thermodynamic stability) performed at Invitae indicates that this missense variant is not expected to disrupt ATM protein function. This variant has not been reported in the literature in individuals affected with ATM-related conditions. This variant is not present in population databases (gnomAD no frequency). This sequence change replaces arginine, which is basic and polar, with threonine, which is neutral and polar, at codon 2244 of the ATM protein (p.Arg2244Thr). In summary, the available evidence is currently insufficient to determine the role of this variant in disease. Therefore, it has been classified as a Variant of Uncertain Significance.

Ambry Genetics
Classification: Uncertain significance for Hereditary cancer-predisposing syndrome. Last evaluated: 2019-09-26. Review status: criteria provided, single submitter. Criteria: Ambry Variant Classification Scheme 2023. Collection method: clinical testing. Allele origin: germline.
Comment: The p.R2244T variant (also known as c.6731G>C), located in coding exon 45 of the ATM gene, results from a G to C substitution at nucleotide position 6731. The arginine at codon 2244 is replaced by threonine, an amino acid with similar properties. This amino acid position is not well conserved in available vertebrate species. In addition, this alteration is predicted to be tolerated by in silico analysis. Since supporting evidence is limited at this time, the clinical significance of this alteration remains unclear.